The following is an entry in ClinVar:

NM_000532.5(PCCB):c.250A>G (p.Met84Val)

Gene: PCCB (propionyl-CoA carboxylase subunit beta; plus strand). Cytogenetic location: 3q22.3.
Variant type: single nucleotide variant.
Coding change: c.250A>G on transcript NM_000532.5 (MANE Select); coding-DNA position 250, A replaced by G.
Protein change: p.Met84Val; replaces methionine 84 with valine.
Molecular consequence: missense variant.
Genome position (GRCh38, 1-based): chr3:136,255,922, A>G. VCF-style: chr3-136255922-A-G. GRCh37 (hg19) VCF-style: chr3-135974764-A-G.
Other names: c.250A>G, p.Met84Val (NM_001178014.2); short protein forms M84V.
Identifiers: ClinVar variation 1199443 (VCV001199443.7), dbSNP rs201950515, ClinGen allele CA2631647.

ClinVar aggregate classification (germline): Uncertain significance. Review status: criteria provided, multiple submitters, no conflicts (2 of 4 stars). 4 submissions from 4 submitters: Uncertain significance (3). 1 of the submissions does not count toward it. Last evaluated 2025-07-13.

Conditions:
Propionic acidemia (PROP). Also called: GLYCINEMIA, KETOTIC; HYPERGLYCINEMIA WITH KETOACIDOSIS AND LEUKOPENIA; KETOTIC HYPERGLYCINEMIA. Identifiers: Orphanet 35, MedGen C0268579, MONDO:0011628, OMIM 606054, HP:0003571.

Allele frequency attached by ClinVar (database versions not stated): ESP Exome Variant Server 0.00008; gnomAD 0.00010 and 0.00012; ExAC 0.00012; TOPMed 0.00013; gnomAD exomes 0.00016.
gnomAD v4.1: 435 of 1,614,098 alleles (0.027%); highest among the groups gnomAD compares: Non-Finnish European, 0.035%; no homozygotes.

Submissions (4):

Women's Health and Genetics/Laboratory Corporation of America, LabCorp
Classification: Uncertain significance. Last evaluated: 2025-07-13. Review status: criteria provided, single submitter. Criteria: LabCorp Variant Classification Summary - May 2015. Collection method: clinical testing. Allele origin: germline.

Labcorp Genetics (formerly Invitae), Labcorp
Classification: Uncertain significance for Propionic acidemia. Last evaluated: 2022-08-31. Review status: criteria provided, single submitter. Criteria: Invitae Variant Classification Sherloc (09022015). Collection method: clinical testing. Allele origin: germline.
Comment: This sequence change replaces methionine, which is neutral and non-polar, with valine, which is neutral and non-polar, at codon 84 of the PCCB protein (p.Met84Val). This variant is present in population databases (rs201950515, gnomAD 0.03%). This variant has not been reported in the literature in individuals affected with PCCB-related conditions. ClinVar contains an entry for this variant (Variation ID: 1199443). Algorithms developed to predict the effect of missense changes on protein structure and function are either unavailable or do not agree on the potential impact of this missense change (SIFT: "Deleterious"; PolyPhen-2: "Benign"; Align-GVGD: "Class C15"). In summary, the available evidence is currently insufficient to determine the role of this variant in disease. Therefore, it has been classified as a Variant of Uncertain Significance.

GeneDx
Classification: Uncertain significance. Last evaluated: 2021-05-05. Review status: criteria provided, single submitter. Criteria: GeneDx Variant Classification Process June 2021. Collection method: clinical testing. Allele origin: germline. Affected: yes.
Comment: Has not been previously published as pathogenic or benign to our knowledge; In silico analysis supports that this missense variant has a deleterious effect on protein structure/function; Missense variants in this gene are often considered pathogenic (Stenson et al., 2014)

Natera, Inc.
Classification: Uncertain significance for Propionic acidemia. Last evaluated: 2020-04-22. Review status: no assertion criteria provided. Collection method: clinical testing. Allele origin: germline. Not counted in ClinVar's aggregate classification.